The following is an entry in ClinVar:

NM_004239.4(TRIP11):c.988_989del (p.Asp330fs)

Gene: TRIP11 (thyroid hormone receptor interactor 11; minus strand). Cytogenetic location: 14q32.12.
Variant type: Microsatellite.
Coding change: c.988_989del on transcript NM_004239.4 (MANE Select); coding-DNA positions 988 to 989, 2 bases deleted (GA; older notation c.988_989delGA).
Protein change: p.Asp330fs; shifts the reading frame from aspartic acid 330.
Molecular consequence: frameshift variant.
Genome position (GRCh38, 1-based): chr14:92,014,412-92,014,413, TC deleted on the plus strand (GA on the coding strand, the reverse complement: TRIP11 is on the minus strand); deleting any 2 consecutive bases within chr14:92,014,412-92,014,416 gives the same sequence; the c. name uses the placement nearest the transcript's 3' end. VCF-style (leftmost placement, unchanged base first): chr14-92014411-ATC-A. GRCh37 (hg19) VCF-style: chr14-92480755-ATC-A.
Other names: c.988_989delGA (NM_004239.4); c.985_986del, p.Asp329fs (NM_001321851.1); short protein forms D330fs, D329fs.
Identifiers: ClinVar variation 648142 (VCV000648142.6), dbSNP rs750602133, ClinGen allele CA7314041.
Genomic context (GRCh38, chr14:92,014,411, plus strand): 5'-ACATTCTTCCATTATTTGTCTCTTTTCCACATTTAGCTGTTCTTGTTCTCTCCTCAAAAT[ATC>A]TCTGTCATTTTCTGCAGAAGATAATTTTTTATTTATATCTTTTATTTTATCCTCAAGTTG-3'

ClinVar aggregate classification (germline): Pathogenic (1 of 4 stars; one submission).

Conditions:
Achondrogenesis, type IA (ACG1A). Identifiers: Orphanet 932, Orphanet 93299, MedGen C0265273, MONDO:0008701, OMIM 200600.

Submission:

Labcorp Genetics (formerly Invitae), Labcorp
Classification: Pathogenic for Achondrogenesis, type IA. Last evaluated: 2024-10-02. Review status: criteria provided, single submitter. Criteria: Invitae Variant Classification Sherloc (09022015). Collection method: clinical testing. Allele origin: germline.
Comment: This sequence change creates a premature translational stop signal (p.Asp330Tyrfs*21) in the TRIP11 gene. It is expected to result in an absent or disrupted protein product. Loss-of-function variants in TRIP11 are known to be pathogenic (PMID: 20089971, 23956106). This variant is present in population databases (rs750602133, gnomAD 0.005%). This variant has not been reported in the literature in individuals affected with TRIP11-related conditions. ClinVar contains an entry for this variant (Variation ID: 648142). For these reasons, this variant has been classified as Pathogenic.

Literature cited by the submitters: PubMed 20089971; PubMed 23956106.